The following is an entry in ClinVar:

NM_004289.7(NFE2L3):c.2035C>T (p.Leu679=)

Genes: NFE2L3 (NFE2 like bZIP transcription factor 3; plus strand), LOC129998143 (ATAC-STARR-seq lymphoblastoid active region 25785; plus strand). Cytogenetic location: 7p15.2.
Variant type: single nucleotide variant.
Coding change: c.2035C>T on transcript NM_004289.7 (MANE Select); coding-DNA position 2035, C replaced by T.
Protein change: p.Leu679=; no amino-acid change (leucine 679 retained).
Molecular consequence: synonymous variant.
Genome position (GRCh38, 1-based): chr7:26,185,733, C>T. VCF-style: chr7-26185733-C-T. GRCh37 (hg19) VCF-style: chr7-26225353-C-T.
Identifiers: ClinVar variation 2657357 (VCV002657357.24), dbSNP rs1403420077, ClinGen allele CA454506311.

ClinVar aggregate classification (germline): Likely benign (1 of 4 stars; one submission).

gnomAD v4.1: 1 of 1,602,108 alleles (0.000062%); no homozygotes.

Submission:

CeGaT Center for Human Genetics Tuebingen
Classification: Likely benign. Last evaluated: 2023-01-01. Review status: criteria provided, single submitter. Criteria: CeGaT Center For Human Genetics Tuebingen Variant Classification Criteria Version 2. Collection method: clinical testing. Allele origin: germline. Affected: yes. Observed: 1 variant allele.
Comment: NFE2L3: PM2:Supporting, BP4, BP7